The following is an entry in ClinVar:

ClinVar aggregate classification (germline): Pathogenic (1 of 4 stars; one submission).

Submission:

Ambry Genetics
Classification: Pathogenic. Last evaluated: 2026-07-10. Review status: criteria provided, single submitter. Criteria: Ambry Variant Classification Scheme 2023. Collection method: clinical testing. Allele origin: germline.
Comment: The c.934G>T (p.E312*) alteration, located in exon 10 (coding exon 10) of the MARK2 gene, consists of a G to T substitution at nucleotide position 934. This changes the amino acid from a glutamic acid (E) to a stop codon at amino acid position 312. This variant is expected to result in loss of function by premature protein truncation or nonsense-mediated mRNA decay. This variant was not reported in population-based cohorts in the Genome Aggregation Database (gnomAD). Based on the available evidence, this alteration is classified as pathogenic.

NM_001039469.3(MARK2):c.934G>T (p.Glu312Ter)

Gene: MARK2 (microtubule affinity regulating kinase 2; plus strand). Cytogenetic location: 11q13.1.
Variant type: single nucleotide variant.
Coding change: c.934G>T on transcript NM_001039469.3 (MANE Select); coding-DNA position 934, G replaced by T.
Protein change: p.Glu312Ter; replaces glutamic acid 312 with a stop codon.
Molecular consequence: nonsense.
Genome position (GRCh38, 1-based): chr11:63,900,825, G>T. VCF-style: chr11-63900825-G-T. GRCh37 (hg19) VCF-style: chr11-63668297-G-T.
Other names: c.934G>T, p.Glu312Ter (NM_001163296.2, NM_001163297.2, NM_004954.5); c.835G>T, p.Glu279Ter (NM_017490.4); short protein forms E279*, E312*.
Identifiers: ClinVar variation 5023895 (VCV005023895.1).